The following is an entry in ClinVar:

NM_000138.5(FBN1):c.3400G>T (p.Gly1134Ter)

Gene: FBN1 (fibrillin 1; minus strand). Cytogenetic location: 15q21.1.
Variant type: single nucleotide variant.
Coding change: c.3400G>T on transcript NM_000138.5 (MANE Select); coding-DNA position 3400, G replaced by T.
Protein change: p.Gly1134Ter; replaces glycine 1134 with a stop codon.
Molecular consequence: nonsense.
Genome position (GRCh38, 1-based): chr15:48,487,375, C>A on the plus strand (G>T on the coding strand, the complement: FBN1 is on the minus strand). VCF-style: chr15-48487375-C-A. GRCh37 (hg19) VCF-style: chr15-48779572-C-A.
Other names: short protein forms G1134*.
Identifiers: ClinVar variation 519789 (VCV000519789.5), dbSNP rs372404949, ClinGen allele CA392326464.

ClinVar aggregate classification (germline): Pathogenic (1 of 4 stars; one submission).

Conditions:
Familial thoracic aortic aneurysm and aortic dissection (TAAD). Also called: Thoracic aortic aneurysms and dissections. Identifiers: Orphanet 91387, MedGen C4707243, MONDO:0019625.

Submission:

Ambry Genetics
Classification: Pathogenic for Familial thoracic aortic aneurysm and aortic dissection. Last evaluated: 2017-08-14. Review status: criteria provided, single submitter. Criteria: Ambry Variant Classification Scheme 2023. Collection method: clinical testing. Allele origin: germline.
Comment: The p.G1134* pathogenic mutation (also known as c.3400G>T), located in coding exon 27 of the FBN1 gene, results from a G to T substitution at nucleotide position 3400. This changes the amino acid from a glycine to a stop codon within coding exon 27. This alteration is expected to result in loss of function by premature protein truncation or nonsense-mediated mRNA decay. As such, this alteration is interpreted as a disease-causing mutation.